The following is an entry in ClinVar:

NM_003482.4(KMT2D):c.5263C>T (p.Gln1755Ter)

Gene: KMT2D (lysine methyltransferase 2D; minus strand). Cytogenetic location: 12q13.12.
Variant type: single nucleotide variant.
Coding change: c.5263C>T on transcript NM_003482.4 (MANE Select); coding-DNA position 5263, C replaced by T.
Protein change: p.Gln1755Ter; replaces glutamine 1755 with a stop codon.
Molecular consequence: nonsense.
Genome position (GRCh38, 1-based): chr12:49,043,924, G>A on the plus strand (C>T on the coding strand, the complement: KMT2D is on the minus strand). VCF-style: chr12-49043924-G-A. GRCh37 (hg19) VCF-style: chr12-49437707-G-A.
Other names: short protein forms Q1755*.
Identifiers: ClinVar variation 581592 (VCV000581592.1), dbSNP rs1565802369, ClinGen allele CA384634873.
Genomic context (GRCh38, chr12:49,043,924, plus strand): 5'-CCACCTGCAAGTAAGCAGGGAACATGTCCTCCAGTTTGCTCTTCTTGCGCCCTCGCCGCT[G>A]TTGCTTCTTCTTCTCATCCCCTTCAGCTAAGCTCTGCTCCACGGCGCCCTCTGCAGGCAG-3'

ClinVar aggregate classification (germline): Pathogenic (1 of 4 stars; one submission).

Conditions:
Kabuki syndrome. Also called: Kabuki make-up syndrome; NIIKAWA-KUROKI SYNDROME. Identifiers: Orphanet 2322, MedGen C0796004, MONDO:0016512.

Submission:

Labcorp Genetics (formerly Invitae), Labcorp
Classification: Pathogenic for Kabuki syndrome. Last evaluated: 2018-06-07. Review status: criteria provided, single submitter. Criteria: Invitae Variant Classification Sherloc (09022015). Collection method: clinical testing. Allele origin: germline.
Comment: This sequence change creates a premature translational stop signal (p.Gln1755*) in the KMT2D gene. It is expected to result in an absent or disrupted protein product. This variant is not present in population databases (ExAC no frequency). This variant has been reported in individuals affected with Kabuki syndrome (PMID:Â¬â€ 24705355). Loss-of-function variants in KMT2D are known to be pathogenic (PMID: 22126750). For these reasons, this variant has been classified as Pathogenic.